The following is an entry in ClinVar:

ClinVar aggregate classification (germline): Uncertain significance (1 of 4 stars; one submission).

gnomAD v4.1: 9 of 1,610,084 alleles (0.00056%); highest among the groups gnomAD compares: Non-Finnish European, 0.00076%; no homozygotes.

Submission:

Labcorp Genetics (formerly Invitae), Labcorp
Classification: Uncertain significance. Last evaluated: 2025-08-10. Review status: criteria provided, single submitter. Criteria: Invitae Variant Classification Sherloc (09022015). Collection method: clinical testing. Allele origin: germline.
Comment: This sequence change replaces glycine, which is neutral and non-polar, with valine, which is neutral and non-polar, at codon 159 of the LTBP4 protein (p.Gly159Val). This variant is not present in population databases (gnomAD no frequency). This variant has not been reported in the literature in individuals affected with LTBP4-related conditions. Experimental studies and prediction algorithms are not available or were not evaluated, and the functional significance of this variant is currently unknown. In summary, the available evidence is currently insufficient to determine the role of this variant in disease. Therefore, it has been classified as a Variant of Uncertain Significance.

NM_001042545.2(LTBP4):c.386G>T (p.Gly129Val)

Gene: LTBP4 (latent transforming growth factor beta binding protein 4; plus strand). Cytogenetic location: 19q13.2.
Variant type: single nucleotide variant.
Coding change: c.386G>T on transcript NM_001042545.2 (MANE Select); coding-DNA position 386, G replaced by T.
Protein change: p.Gly129Val; replaces glycine 129 with valine.
Molecular consequence: missense variant.
Genome position (GRCh38, 1-based): chr19:40,605,170, G>T. VCF-style: chr19-40605170-G-T. GRCh37 (hg19) VCF-style: chr19-41111076-G-T.
Other names: c.587G>T, p.Gly196Val (NM_001042544.1); c.476G>T, p.Gly159Val (NM_003573.2); short protein forms G196V, G129V, G159V.
Identifiers: ClinVar variation 4773661 (VCV004773661.1).